The following is an entry in ClinVar:

ClinVar aggregate classification (germline): Uncertain significance (1 of 4 stars; one submission).

Submission:

GeneDx
Classification: Uncertain significance. Last evaluated: 2024-02-09. Review status: criteria provided, single submitter. Criteria: GeneDx Variant Classification Process June 2021. Collection method: clinical testing. Allele origin: germline. Affected: yes.
Comment: Not observed at significant frequency in large population cohorts (gnomAD); In silico analysis supports that this missense variant has a deleterious effect on protein structure/function; Has not been previously published as pathogenic or benign to our knowledge

NM_006516.4(SLC2A1):c.784C>G (p.Leu262Val)

Gene: SLC2A1 (solute carrier family 2 member 1; minus strand). Cytogenetic location: 1p34.2.
Variant type: single nucleotide variant.
Coding change: c.784C>G on transcript NM_006516.4 (MANE Select); coding-DNA position 784, C replaced by G.
Protein change: p.Leu262Val; replaces leucine 262 with valine.
Molecular consequence: missense variant.
Genome position (GRCh38, 1-based): chr1:42,929,676, G>C on the plus strand (C>G on the coding strand, the complement: SLC2A1 is on the minus strand). VCF-style: chr1-42929676-G-C. GRCh37 (hg19) VCF-style: chr1-43395347-G-C.
Other names: short protein forms L262V.
Identifiers: ClinVar variation 3369114 (VCV003369114.1).
Genomic context (GRCh38, chr1:42,929,676, plus strand): 5'-GGGACAGCTGCAGCACCACAGCGATGAGGATGGGCTGGCGGTAGGCGGGGGAGCGGAACA[G>C]CTCCAGGATGGTGACCTTCTTCTCCCGCATCATCTGCCGACTCTCTTCCTTCATCTCCTG-3'
Protein context (NP_006507.2, residues 252-272): MREKKVTILE[Leu262Val]FRSPAYRQPI